The following is an entry in ClinVar:

ClinVar aggregate classification (germline): Uncertain significance (1 of 4 stars; one submission).

Conditions:
Imerslund-Grasbeck syndrome. Also called: ENTEROCYTE COBALAMIN MALABSORPTION; ENTEROCYTE INTRINSIC FACTOR RECEPTOR, DEFECT OF; PERNICIOUS ANEMIA, JUVENILE, DUE TO SELECTIVE INTESTINAL MALABSORPTION OF VITAMIN B12, WITH PROTEINURIA; Megaloblastic anemia due to inborn errors of metabolism; Imerslund-Gräsbeck syndrome. Identifiers: Orphanet 35858, MedGen C4551825, MONDO:0009853.

Submission:

Labcorp Genetics (formerly Invitae), Labcorp
Classification: Uncertain significance for Imerslund-Grasbeck syndrome. Last evaluated: 2020-12-18. Review status: criteria provided, single submitter. Criteria: Invitae Variant Classification Sherloc (09022015). Collection method: clinical testing. Allele origin: germline.
Comment: Algorithms developed to predict the effect of missense changes on protein structure and function are either unavailable or do not agree on the potential impact of this missense change (SIFT: "Deleterious"; PolyPhen-2: "Probably Damaging"; Align-GVGD: "Class C0"). This variant has not been reported in the literature in individuals with CUBN-related conditions. This variant is not present in population databases (ExAC no frequency). This sequence change replaces valine with methionine at codon 1080 of the CUBN protein (p.Val1080Met). The valine residue is highly conserved and there is a small physicochemical difference between valine and methionine. In summary, the available evidence is currently insufficient to determine the role of this variant in disease. Therefore, it has been classified as a Variant of Uncertain Significance.

NM_001081.4(CUBN):c.3238G>A (p.Val1080Met)

Gene: CUBN (cubilin; minus strand). Cytogenetic location: 10p13.
Variant type: single nucleotide variant.
Coding change: c.3238G>A on transcript NM_001081.4 (MANE Select); coding-DNA position 3238, G replaced by A.
Protein change: p.Val1080Met; replaces valine 1080 with methionine.
Molecular consequence: missense variant.
Genome position (GRCh38, 1-based): chr10:17,047,505, C>T on the plus strand (G>A on the coding strand, the complement: CUBN is on the minus strand). VCF-style: chr10-17047505-C-T. GRCh37 (hg19) VCF-style: chr10-17089504-C-T.
Other names: short protein forms V1080M.
Identifiers: ClinVar variation 1509286 (VCV001509286.8), dbSNP rs2131822280, ClinGen allele CA376150416.
Genomic context (GRCh38, chr10:17,047,505, plus strand): 5'-CAATGGCTTCCTCCAAGGAGAAGTTTGTGAAGTGCACTGCAATCAGTTGGCCAGTTCTCA[C>T]TGTGATCCGATAAATGCATTCCCAGTTGTTGGGATAATTATTGGGGAAGTTTGGAGAAGT-3'
Protein context (NP_001072.2, residues 1070-1090): NNWECIYRIT[Val1080Met]RTGQLIAVHF